The following is an entry in ClinVar:

ClinVar aggregate classification (germline): Pathogenic (1 of 4 stars; one submission).

Conditions:
Beta-D-mannosidosis (MANSB). Also called: MANNOSIDOSIS, BETA A, LYSOSOMAL; BETA-MANNOSIDASE DEFICIENCY; LYSOSOMAL BETA-MANNOSIDASE DEFICIENCY; Beta-Mannosidosis. Identifiers: Orphanet 118, MedGen C4048196, MONDO:0009562, OMIM 248510.

Submission:

Labcorp Genetics (formerly Invitae), Labcorp
Classification: Pathogenic for Beta-D-mannosidosis. Last evaluated: 2026-01-14. Review status: criteria provided, single submitter. Criteria: Invitae Variant Classification Sherloc (09022015). Collection method: clinical testing. Allele origin: germline.
Comment: This sequence change creates a premature translational stop signal (p.Ser582Phefs*11) in the MANBA gene. It is expected to result in an absent or disrupted protein product. Loss-of-function variants in MANBA are known to be pathogenic (PMID: 9384606, 12468273). This variant is not present in population databases (gnomAD no frequency). This variant has not been reported in the literature in individuals affected with MANBA-related conditions. For these reasons, this variant has been classified as Pathogenic.

Literature cited by the submitters: PubMed 9384606; PubMed 12468273.

NM_005908.4(MANBA):c.1744dup (p.Ser582fs)

Gene: MANBA (mannosidase beta; minus strand). Cytogenetic location: 4q24.
Variant type: Duplication.
Coding change: c.1744dup on transcript NM_005908.4 (MANE Select); coding-DNA position 1744, one base duplicated (T; older notation c.1744dupT).
Protein change: p.Ser582fs; shifts the reading frame from serine 582.
Molecular consequence: frameshift variant.
Genome position (GRCh38, 1-based): chr4:102,650,662, A duplicated on the plus strand (T on the coding strand, the reverse complement: MANBA is on the minus strand); the first of 4 consecutive A bases (chr4:102,650,662-102,650,665); duplicating any one gives the same sequence. VCF-style (leftmost placement, unchanged base first): chr4-102650661-G-GA. GRCh37 (hg19) VCF-style: chr4-103571818-G-GA.
Other names: short protein forms S582fs.
Identifiers: ClinVar variation 4735401 (VCV004735401.1).